The following is an entry in ClinVar:

ClinVar aggregate classification (germline): Uncertain significance (1 of 4 stars; one submission).

Conditions:
Hereditary spastic paraplegia 57. Also called: Spastic paraplegia 57, autosomal recessive. Identifiers: Orphanet 431329, MedGen C3714897, MONDO:0014295, OMIM 615658.
Hereditary motor and sensory neuropathy, Okinawa type (HMSNO). Also called: HEREDITARY MOTOR AND SENSORY NEUROPATHY, PROXIMAL TYPE. Identifiers: Orphanet 90117, MedGen C1858338, MONDO:0011468, OMIM 604484.

gnomAD v4.1: 19 of 1,614,016 alleles (0.0012%); highest among the groups gnomAD compares: South Asian, 0.018%; no homozygotes.

Submission:

Labcorp Genetics (formerly Invitae), Labcorp
Classification: Uncertain significance for Hereditary motor and sensory neuropathy, Okinawa type; Hereditary spastic paraplegia 57. Last evaluated: 2025-10-13. Review status: criteria provided, single submitter. Criteria: Invitae Variant Classification Sherloc (09022015). Collection method: clinical testing. Allele origin: germline.
Comment: This sequence change replaces glutamine, which is neutral and polar, with arginine, which is basic and polar, at codon 298 of the TFG protein (p.Gln298Arg). This variant is present in population databases (rs767297003, gnomAD 0.02%). This variant has not been reported in the literature in individuals affected with TFG-related conditions. Invitae Evidence Modeling of protein sequence and biophysical properties (such as structural, functional, and spatial information, amino acid conservation, physicochemical variation, residue mobility, and thermodynamic stability) indicates that this missense variant is not expected to disrupt TFG protein function with a negative predictive value of 80%. In summary, the available evidence is currently insufficient to determine the role of this variant in disease. Therefore, it has been classified as a Variant of Uncertain Significance.

NM_006070.6(TFG):c.893A>G (p.Gln298Arg)

Gene: TFG (trafficking from ER to golgi regulator; plus strand). Cytogenetic location: 3q12.2.
Variant type: single nucleotide variant.
Coding change: c.893A>G on transcript NM_006070.6 (MANE Select); coding-DNA position 893, A replaced by G.
Protein change: p.Gln298Arg; replaces glutamine 298 with arginine.
Molecular consequence: missense variant.
Genome position (GRCh38, 1-based): chr3:100,748,221, A>G. VCF-style: chr3-100748221-A-G. GRCh37 (hg19) VCF-style: chr3-100467065-A-G.
Other names: c.893A>G, p.Gln298Arg (NM_001007565.2, NM_001195478.2); c.881A>G, p.Gln294Arg (NM_001195479.2); short protein forms Q294R, Q298R.
Identifiers: ClinVar variation 4789106 (VCV004789106.1).